The following is an entry in ClinVar:

ClinVar aggregate classification (germline): Uncertain significance (1 of 4 stars; one submission).

Allele frequency attached by ClinVar (database versions not stated): gnomAD exomes below 0.00001.
gnomAD v4.1: 3 of 1,614,116 alleles (0.00019%); highest among the groups gnomAD compares: Non-Finnish European, 0.00017%; no homozygotes.

Submission:

Labcorp Genetics (formerly Invitae), Labcorp
Classification: Uncertain significance. Last evaluated: 2024-12-09. Review status: criteria provided, single submitter. Criteria: Invitae Variant Classification Sherloc (09022015). Collection method: clinical testing. Allele origin: germline.
Comment: This sequence change replaces alanine, which is neutral and non-polar, with valine, which is neutral and non-polar, at codon 101 of the POC1A protein (p.Ala101Val). This variant is not present in population databases (gnomAD no frequency). This variant has not been reported in the literature in individuals affected with POC1A-related conditions. ClinVar contains an entry for this variant (Variation ID: 1962607). Invitae Evidence Modeling of protein sequence and biophysical properties (such as structural, functional, and spatial information, amino acid conservation, physicochemical variation, residue mobility, and thermodynamic stability) indicates that this missense variant is not expected to disrupt POC1A protein function with a negative predictive value of 80%. In summary, the available evidence is currently insufficient to determine the role of this variant in disease. Therefore, it has been classified as a Variant of Uncertain Significance.

NM_015426.5(POC1A):c.302C>T (p.Ala101Val)

Gene: POC1A (POC1 centriolar protein A; minus strand). Cytogenetic location: 3p21.2.
Variant type: single nucleotide variant.
Coding change: c.302C>T on transcript NM_015426.5 (MANE Select); coding-DNA position 302, C replaced by T.
Protein change: p.Ala101Val; replaces alanine 101 with valine.
Molecular consequence: missense variant.
Genome position (GRCh38, 1-based): chr3:52,149,363, G>A on the plus strand (C>T on the coding strand, the complement: POC1A is on the minus strand). VCF-style: chr3-52149363-G-A. GRCh37 (hg19) VCF-style: chr3-52183379-G-A.
Other names: c.302C>T, p.Ala101Val (NM_001161580.2); c.188C>T, p.Ala63Val (NM_001161581.2); short protein forms A101V, A63V.
Identifiers: ClinVar variation 1962607 (VCV001962607.5), dbSNP rs1698476446, ClinGen allele CA353050193.
Genomic context (GRCh38, chr3:52,149,363, plus strand): 5'-GCTGTCACGAAGGACTGGCCATCACTGCAGAAGTGGACACTCCTCACTGTGGCTGTGTGT[G>A]CACGAAACACAGTGGACTCACCTTTGCTACAAGGACAGGCATCCAAGAGTAAGGAAACCC-3'
Protein context (NP_056241.3, residues 91-111): NVKGESTVFR[Ala101Val]HTATVRSVHF